The following is an entry in ClinVar:

ClinVar aggregate classification (germline): Uncertain significance (1 of 4 stars; one submission).

Allele frequency attached by ClinVar (database versions not stated): gnomAD exomes below 0.00001.

Submission:

Labcorp Genetics (formerly Invitae), Labcorp
Classification: Uncertain significance. Last evaluated: 2022-10-17. Review status: criteria provided, single submitter. Criteria: Invitae Variant Classification Sherloc (09022015). Collection method: clinical testing. Allele origin: germline.
Comment: This sequence change replaces aspartic acid, which is acidic and polar, with tyrosine, which is neutral and polar, at codon 275 of the CDK13 protein (p.Asp275Tyr). This variant is not present in population databases (gnomAD no frequency). This variant has not been reported in the literature in individuals affected with CDK13-related conditions. Advanced modeling of protein sequence and biophysical properties (such as structural, functional, and spatial information, amino acid conservation, physicochemical variation, residue mobility, and thermodynamic stability) performed at Invitae indicates that this missense variant is not expected to disrupt CDK13 protein function. In summary, the available evidence is currently insufficient to determine the role of this variant in disease. Therefore, it has been classified as a Variant of Uncertain Significance.

NM_003718.5(CDK13):c.823G>T (p.Asp275Tyr)

Gene: CDK13 (cyclin dependent kinase 13; plus strand). Cytogenetic location: 7p14.1.
Variant type: single nucleotide variant.
Coding change: c.823G>T on transcript NM_003718.5 (MANE Select); coding-DNA position 823, G replaced by T.
Protein change: p.Asp275Tyr; replaces aspartic acid 275 with tyrosine.
Molecular consequence: missense variant.
Genome position (GRCh38, 1-based): chr7:39,951,464, G>T. VCF-style: chr7-39951464-G-T. GRCh37 (hg19) VCF-style: chr7-39991063-G-T.
Other names: c.823G>T, p.Asp275Tyr (NM_031267.4); short protein forms D275Y.
Identifiers: ClinVar variation 2087631 (VCV002087631.4), dbSNP rs560003667, ClinGen allele CA367310567.